The following is an entry in ClinVar:

ClinVar aggregate classification (germline): Uncertain significance (1 of 4 stars; one submission).

Conditions:
Distal myopathy with anterior tibial onset. Identifiers: Orphanet 178400, MedGen C1847532, MONDO:0011721, OMIM 606768.
Miyoshi muscular dystrophy 1 (MMD1). Identifiers: Orphanet 45448, MedGen C4551973, MONDO:0024545, OMIM 254130.
Autosomal recessive limb-girdle muscular dystrophy type 2B (LGMDR2). Also called: MUSCULAR DYSTROPHY, LIMB-GIRDLE, AUTOSOMAL RECESSIVE 2; MUSCULAR DYSTROPHY, LIMB-GIRDLE, TYPE 3; Limb-girdle muscular dystrophy, type 2B; Limb-Girdle Muscular Dystrophy Type 2B (LGMD2B). Identifiers: Orphanet 268, MedGen C1850889, MONDO:0009676, OMIM 253601.

Submission:

Kariminejad - Najmabadi Pathology & Genetics Center
Classification: Uncertain significance for Miyoshi muscular dystrophy 1; Autosomal recessive limb-girdle muscular dystrophy type 2B; Distal myopathy with anterior tibial onset. Last evaluated: 2020-10-27. Review status: criteria provided, single submitter. Criteria: ACMG Guidelines, 2015. Collection method: clinical testing. Allele origin: germline. Inheritance: Autosomal recessive inheritance. Affected: yes.
Comment: PM1,PM2,PM4

NM_001130987.2(DYSF):c.5737_5739dup (p.Pro1913_Phe1914insPro)

Gene: DYSF (dysferlin; plus strand). Cytogenetic location: 2p13.2.
Variant type: Duplication.
Coding change: c.5737_5739dup on transcript NM_001130987.2 (MANE Select); coding-DNA positions 5737 to 5739, 3 bases duplicated (CCC; older notation c.5737_5739dupCCC).
Protein change: p.Pro1913_Phe1914insPro.
Genome position (GRCh38, 1-based): chr2:71,669,699-71,669,701, CCC duplicated; duplicating any 3 consecutive bases within chr2:71,669,698-71,669,701 gives the same sequence; the c. name uses the placement nearest the transcript's 3' end. VCF-style (leftmost placement, unchanged base first): chr2-71669697-T-TCCC. GRCh37 (hg19) VCF-style: chr2-71896827-T-TCCC.
Other names: c.5623_5625dup, p.Pro1875_Phe1876insPro (NM_001130455.2); c.5578_5580dup, p.Pro1860_Phe1861insPro (NM_001130976.2); c.5641_5643dup, p.Pro1881_Phe1882insPro (NM_001130977.2); c.5683_5685dup, p.Pro1895_Phe1896insPro (NM_001130978.2); c.5713_5715dup, p.Pro1905_Phe1906insPro (NM_001130979.2); c.5671_5673dup, p.Pro1891_Phe1892insPro (NM_001130980.2); c.5734_5736dup, p.Pro1912_Phe1913insPro (NM_001130981.2); c.5716_5718dup, p.Pro1906_Phe1907insPro (NM_001130982.2); and 5 more.
Identifiers: ClinVar variation 3896854 (VCV003896854.1).